The following is an entry in ClinVar:

ClinVar aggregate classification (germline): Pathogenic (1 of 4 stars; one submission).

gnomAD v4.1: 1 of 1,614,136 alleles (0.000062%); highest among the groups gnomAD compares: Non-Finnish European, 0.000085%; no homozygotes.

Submission:

Labcorp Genetics (formerly Invitae), Labcorp
Classification: Pathogenic. Last evaluated: 2023-10-13. Review status: criteria provided, single submitter. Criteria: Invitae Variant Classification Sherloc (09022015). Collection method: clinical testing. Allele origin: germline.
Comment: This sequence change creates a premature translational stop signal (p.Tyr151*) in the EIF2B1 gene. It is expected to result in an absent or disrupted protein product. Loss-of-function variants in EIF2B1 are known to be pathogenic (PMID: 11835386, 32865661). This variant is not present in population databases (gnomAD no frequency). This variant has not been reported in the literature in individuals affected with EIF2B1-related conditions. ClinVar contains an entry for this variant (Variation ID: 2126425). Algorithms developed to predict the effect of sequence changes on RNA splicing suggest that this variant may disrupt the consensus splice site. For these reasons, this variant has been classified as Pathogenic.

Literature cited by the submitters: PubMed 11835386; PubMed 32865661.

NM_001414.4(EIF2B1):c.453C>A (p.Tyr151Ter)

Gene: EIF2B1 (eukaryotic translation initiation factor 2B subunit alpha; minus strand). Cytogenetic location: 12q24.31.
Variant type: single nucleotide variant.
Coding change: c.453C>A on transcript NM_001414.4 (MANE Select); coding-DNA position 453, C replaced by A.
Protein change: p.Tyr151Ter; replaces tyrosine 151 with a stop codon.
Molecular consequence: nonsense.
Genome position (GRCh38, 1-based): chr12:123,627,073, G>T on the plus strand (C>A on the coding strand, the complement: EIF2B1 is on the minus strand). VCF-style: chr12-123627073-G-T. GRCh37 (hg19) VCF-style: chr12-124111620-G-T.
Other names: short protein forms Y151*.
Identifiers: ClinVar variation 2126425 (VCV002126425.4), dbSNP rs549587142, ClinGen allele CA387143229.
Genomic context (GRCh38, chr12:123,627,073, plus strand): 5'-TGGGCACATAACTGAACAGAAAGGTACTTGCCCTGACAAATCAGGCTGTGACTCTGTGAC[G>T]TATACACTAAATCGCTTCTTGGCCGCCACGGCTGCTTCCAGGACTCTCAGGACCACTCTG-3'